The following is an entry in ClinVar:

ClinVar aggregate classification (germline): Conflicting classifications of pathogenicity. Review status: criteria provided, conflicting classifications (1 of 4 stars). 2 submissions from 2 submitters: Uncertain significance (1); Likely benign (1). Last evaluated 2022-12-18.

Conditions:
Neuroblastoma, susceptibility to, 3. Also called: ALK-Related Neuroblastic Tumor Susceptibility. Identifiers: Orphanet 635, MedGen C2751681, MONDO:0013083, OMIM 613014.

Submissions (2):

Labcorp Genetics (formerly Invitae), Labcorp
Classification: Uncertain significance for Neuroblastoma, susceptibility to, 3. Last evaluated: 2022-12-18. Review status: criteria provided, single submitter. Criteria: Invitae Variant Classification Sherloc (09022015). Collection method: clinical testing. Allele origin: germline.
Comment: Algorithms developed to predict the effect of sequence changes on RNA splicing suggest that this variant may disrupt the consensus splice site. In summary, the available evidence is currently insufficient to determine the role of this variant in disease. Therefore, it has been classified as a Variant of Uncertain Significance. This variant has not been reported in the literature in individuals affected with ALK-related conditions. This variant is not present in population databases (gnomAD no frequency). This sequence change affects codon 1426 of the ALK mRNA. It is a 'silent' change, meaning that it does not change the encoded amino acid sequence of the ALK protein.

Blueprint Genetics
Classification: Likely benign. Last evaluated: 2019-12-05. Review status: criteria provided, single submitter. Criteria: ACMG Guidelines, 2015. Collection method: clinical testing. Allele origin: germline.

NM_004304.5(ALK):c.4278C>G (p.Val1426=)

Gene: ALK (ALK receptor tyrosine kinase; minus strand). Cytogenetic location: 2p23.2.
Variant type: single nucleotide variant.
Coding change: c.4278C>G on transcript NM_004304.5 (MANE Select); coding-DNA position 4278, C replaced by G.
Protein change: p.Val1426=; no amino-acid change (valine 1426 retained).
Molecular consequence: synonymous variant.
Genome position (GRCh38, 1-based): chr2:29,193,809, G>C on the plus strand (C>G on the coding strand, the complement: ALK is on the minus strand). VCF-style: chr2-29193809-G-C. GRCh37 (hg19) VCF-style: chr2-29416675-G-C.
Other names: c.1074C>G, p.Val358= (NM_001353765.2).
Identifiers: ClinVar variation 2821920 (VCV002821920.4), dbSNP rs1235124703, ClinGen allele CA425619350.